The following is an entry in ClinVar:

NM_025216.3(WNT10A):c.932del (p.Glu311fs)

Gene: WNT10A (Wnt family member 10A; plus strand). Cytogenetic location: 2q35.
Variant type: Deletion.
Coding change: c.932del on transcript NM_025216.3 (MANE Select); coding-DNA position 932, one base deleted (A; older notation c.932delA).
Protein change: p.Glu311fs; shifts the reading frame from glutamic acid 311.
Molecular consequence: frameshift variant.
Genome position (GRCh38, 1-based): chr2:218,892,949, A deleted. VCF-style (leftmost placement, unchanged base first): chr2-218892948-GA-G. GRCh37 (hg19) VCF-style: chr2-219757670-GA-G.
Other names: short protein forms E311fs.
Identifiers: ClinVar variation 1073385 (VCV001073385.9), dbSNP rs1559416138, ClinGen allele CA539840837.
Genomic context (GRCh38, chr2:218,892,948, plus strand): 5'-CGCAGCCGCTTCCACCGCGCCACGCTCATCCGGCCGCACAACCGCAACGGCGGCCAGCTG[GA>G]GCCGGGCCCAGCGGGGGCACCCTCGCCGGCTCCGGGCGCTCCCGGGCCGCGCCGACGGGC-3'

ClinVar aggregate classification (germline): Pathogenic (1 of 4 stars; one submission).

Conditions:
Tooth agenesis, selective, 4 (STHAG4). Also called: SUCCEDANEOUS TEETH, AGENESIS OF; TOOTH AGENESIS, SELECTIVE, 4, WITH OR WITHOUT ECTODERMAL DYSPLASIA; LATERAL INCISORS, ABSENCE OF; LATERAL INCISORS, PEGGED OR MISSING. Identifiers: Orphanet 99798, MedGen C1835492, MONDO:0007881, OMIM 150400. Disease mechanism: loss of function.
Odonto-onycho-dermal dysplasia. Identifiers: Orphanet 2721, MedGen C0796093, MONDO:0009773, OMIM 257980.

Allele frequency attached by ClinVar (database versions not stated): gnomAD exomes 0.00001.

Submission:

Labcorp Genetics (formerly Invitae), Labcorp
Classification: Pathogenic for Tooth agenesis, selective, 4; Odonto-onycho-dermal dysplasia. Last evaluated: 2020-05-22. Review status: criteria provided, single submitter. Criteria: Invitae Variant Classification Sherloc (09022015). Collection method: clinical testing. Allele origin: germline.
Comment: For these reasons, this variant has been classified as Pathogenic. This variant disrupts the C-terminus of the WNT10A protein. Other variant(s) that disrupt this region (p.Glu390*) have been determined to be pathogenic (Invitae). This suggests that variants that disrupt this region of the protein are likely to be causative of disease. This variant has not been reported in the literature in individuals with WNT10A-related conditions. The frequency data for this variant in the population databases is considered unreliable, as metrics indicate insufficient coverage at this position in the ExAC database. This sequence change results in a frameshift in the WNT10A gene (p.Glu311Glyfs*127). While this is not anticipated to result in nonsense mediated decay, it is expected to disrupt the last 107 amino acids of the WNT10A protein and extend the protein by an additional 19 amino acids.